The following is an entry in ClinVar:

ClinVar aggregate classification (germline): Uncertain significance. Review status: criteria provided, multiple submitters, no conflicts (2 of 4 stars). 2 submissions from 2 submitters: Uncertain significance (2). Last evaluated 2025-12-13.

Conditions:
Hereditary cancer-predisposing syndrome. Also called: Neoplastic Syndromes, Hereditary; Hereditary Cancer Syndrome; Hereditary neoplastic syndrome; Tumor predisposition. Identifiers: Orphanet 140162, MedGen C0027672, MeSH D009386, MONDO:0015356.

Submissions (2):

Labcorp Genetics (formerly Invitae), Labcorp
Classification: Uncertain significance. Last evaluated: 2025-12-13. Review status: criteria provided, single submitter. Criteria: Invitae Variant Classification Sherloc (09022015). Collection method: clinical testing. Allele origin: germline.
Comment: This sequence change replaces aspartic acid, which is acidic and polar, with valine, which is neutral and non-polar, at codon 1309 of the POLE protein (p.Asp1309Val). This variant is not present in population databases (gnomAD no frequency). This variant has not been reported in the literature in individuals affected with POLE-related conditions. ClinVar contains an entry for this variant (Variation ID: 1422326). Invitae Evidence Modeling of protein sequence and biophysical properties (such as structural, functional, and spatial information, amino acid conservation, physicochemical variation, residue mobility, and thermodynamic stability) indicates that this missense variant is not expected to disrupt POLE protein function with a negative predictive value of 80%. In summary, the available evidence is currently insufficient to determine the role of this variant in disease. Therefore, it has been classified as a Variant of Uncertain Significance.

Ambry Genetics
Classification: Uncertain significance for Hereditary cancer-predisposing syndrome. Last evaluated: 2025-10-28. Review status: criteria provided, single submitter. Criteria: Ambry Variant Classification Scheme 2023. Collection method: clinical testing. Allele origin: germline.
Comment: The p.D1309V variant (also known as c.3926A>T), located in coding exon 31 of the POLE gene, results from an A to T substitution at nucleotide position 3926. The aspartic acid at codon 1309 is replaced by valine, an amino acid with highly dissimilar properties. This amino acid position is conserved. In addition, this alteration is predicted to be tolerated by in silico analysis. Based on the available evidence, the clinical significance of this variant remains unclear.

NM_006231.4(POLE):c.3926A>T (p.Asp1309Val)

Gene: POLE (DNA polymerase epsilon, catalytic subunit; minus strand). Cytogenetic location: 12q24.33.
Variant type: single nucleotide variant.
Coding change: c.3926A>T on transcript NM_006231.4 (MANE Select); coding-DNA position 3926, A replaced by T.
Protein change: p.Asp1309Val; replaces aspartic acid 1309 with valine.
Molecular consequence: missense variant.
Genome position (GRCh38, 1-based): chr12:132,649,385, T>A on the plus strand (A>T on the coding strand, the complement: POLE is on the minus strand). VCF-style: chr12-132649385-T-A. GRCh37 (hg19) VCF-style: chr12-133225971-T-A.
Other names: c.3926A>T (NM_006231.2); short protein forms D1309V.
Identifiers: ClinVar variation 1422326 (VCV001422326.9), dbSNP rs776828609, ClinGen allele CA387385089.